The following is an entry in ClinVar:

NM_001127222.2(CACNA1A):c.1256-194T>G

Gene: CACNA1A (calcium voltage-gated channel subunit alpha1 A; minus strand). Cytogenetic location: 19p13.13.
Variant type: single nucleotide variant.
Coding change: c.1256-194T>G on transcript NM_001127222.2 (MANE Select); 194 bases into the intron before coding-DNA position 1256, T replaced by G.
Molecular consequence: intron variant.
Genome position (GRCh38, 1-based): chr19:13,330,527, A>C on the plus strand (T>G on the coding strand, the complement: CACNA1A is on the minus strand). VCF-style: chr19-13330527-A-C. GRCh37 (hg19) VCF-style: chr19-13441341-A-C.
Other names: c.1256-191T>G (NM_001127221.2, NM_001174080.2, NM_000068.4 and 1 more transcripts).
Identifiers: ClinVar variation 680239 (VCV000680239.1), dbSNP rs10425460, ClinGen allele CA14683822.

ClinVar aggregate classification (germline): Benign (1 of 4 stars; one submission).

Allele frequency attached by ClinVar (database versions not stated): 1000 Genomes Project 0.20727; 1000 Genomes Project 30x 0.21002.
gnomAD v4.1: 25,049 of 151,320 alleles (17%); highest among the groups gnomAD compares: African/African-American, 29%; 2,645 homozygotes.

Submission:

GeneDx
Classification: Benign. Last evaluated: 2018-06-19. Review status: criteria provided, single submitter. Criteria: GeneDx Variant Classification (06012015). Collection method: clinical testing. Allele origin: germline. Affected: yes.
Comment: This variant is considered likely benign or benign based on one or more of the following criteria: it is a conservative change, it occurs at a poorly conserved position in the protein, it is predicted to be benign by multiple in silico algorithms, and/or has population frequency not consistent with disease.